The following is an entry in ClinVar:

ClinVar aggregate classification (germline): Uncertain significance (1 of 4 stars; one submission).

Conditions:
Hepatic methionine adenosyltransferase deficiency. Also called: Isolated Persistent Hypermethioninemia; Methionine adenosyltransferase deficiency; MAT I/III DEFICIENCY; Deficiency of methionine adenosyltransferase. Identifiers: Orphanet 168598, MedGen C0268621, MeSH C564683, MONDO:0009607, OMIM 250850.

Allele frequency attached by ClinVar (database versions not stated): gnomAD exomes 0.00001; TOPMed 0.00002; gnomAD 0.00005.

Submission:

Labcorp Genetics (formerly Invitae), Labcorp
Classification: Uncertain significance for Hepatic methionine adenosyltransferase deficiency. Last evaluated: 2026-01-19. Review status: criteria provided, single submitter. Criteria: Invitae Variant Classification Sherloc (09022015). Collection method: clinical testing. Allele origin: germline.
Comment: This sequence change replaces glutamic acid, which is acidic and polar, with lysine, which is basic and polar, at codon 211 of the MAT1A protein (p.Glu211Lys). This variant is present in population databases (no rsID available, gnomAD 0.01%). This variant has not been reported in the literature in individuals affected with MAT1A-related conditions. ClinVar contains an entry for this variant (Variation ID: 940504). Invitae Evidence Modeling of protein sequence and biophysical properties (such as structural, functional, and spatial information, amino acid conservation, physicochemical variation, residue mobility, and thermodynamic stability) indicates that this missense variant is not expected to disrupt MAT1A protein function with a negative predictive value of 80%. In summary, the available evidence is currently insufficient to determine the role of this variant in disease. Therefore, it has been classified as a Variant of Uncertain Significance.

NM_000429.3(MAT1A):c.631G>A (p.Glu211Lys)

Gene: MAT1A (methionine adenosyltransferase 1A; minus strand). Cytogenetic location: 10q22.3.
Variant type: single nucleotide variant.
Coding change: c.631G>A on transcript NM_000429.3 (MANE Select); coding-DNA position 631, G replaced by A.
Protein change: p.Glu211Lys; replaces glutamic acid 211 with lysine.
Molecular consequence: missense variant.
Genome position (GRCh38, 1-based): chr10:80,276,513, C>T on the plus strand (G>A on the coding strand, the complement: MAT1A is on the minus strand). VCF-style: chr10-80276513-C-T. GRCh37 (hg19) VCF-style: chr10-82036269-C-T.
Other names: short protein forms E211K.
Identifiers: ClinVar variation 940504 (VCV000940504.10), dbSNP rs377184051, ClinGen allele CA377362171.